The following is an entry in ClinVar:

ClinVar aggregate classification (germline): Uncertain significance. Review status: criteria provided, multiple submitters, no conflicts (2 of 4 stars). 2 submissions from 2 submitters: Uncertain significance (2). Last evaluated 2022-11-01.

Conditions:
DICER1-related tumor predisposition. Also called: DICER1 syndrome; DICER1-related pleuropulmonary blastoma cancer predisposition syndrome. Identifiers: Orphanet 284343, MedGen C3839822, MONDO:0100216.
Hereditary cancer-predisposing syndrome. Also called: Neoplastic Syndromes, Hereditary; Hereditary Cancer Syndrome; Hereditary neoplastic syndrome; Tumor predisposition. Identifiers: Orphanet 140162, MedGen C0027672, MeSH D009386, MONDO:0015356.

Allele frequency attached by ClinVar (database versions not stated): gnomAD exomes below 0.00001.

Submissions (2):

Labcorp Genetics (formerly Invitae), Labcorp
Classification: Uncertain significance for DICER1-related tumor predisposition. Last evaluated: 2022-11-01. Review status: criteria provided, single submitter. Criteria: Invitae Variant Classification Sherloc (09022015). Collection method: clinical testing. Allele origin: germline.
Comment: In summary, the available evidence is currently insufficient to determine the role of this variant in disease. Therefore, it has been classified as a Variant of Uncertain Significance. Variants that disrupt the consensus splice site are a relatively common cause of aberrant splicing (PMID: 17576681, 9536098). Algorithms developed to predict the effect of sequence changes on RNA splicing suggest that this variant is not likely to affect RNA splicing. ClinVar contains an entry for this variant (Variation ID: 645931). This variant has not been reported in the literature in individuals affected with DICER1-related conditions. This variant is not present in population databases (gnomAD no frequency). This sequence change falls in intron 9 of the DICER1 gene. It does not directly change the encoded amino acid sequence of the DICER1 protein. It affects a nucleotide within the consensus splice site.

Ambry Genetics
Classification: Uncertain significance for Hereditary cancer-predisposing syndrome. Last evaluated: 2021-01-26. Review status: criteria provided, single submitter. Criteria: Ambry Variant Classification Scheme 2023. Collection method: clinical testing. Allele origin: germline.
Comment: The c.1510-3C>T intronic variant results from a C to T substitution 3 nucleotides upstream from coding exon 9 in the DICER1 gene. This nucleotide position is not well conserved in available vertebrate species. In silico splice site analysis predicts that this alteration will not have any significant effect on splicing. Since supporting evidence is limited at this time, the clinical significance of this alteration remains unclear.

Literature cited by the submitters: PubMed 17576681 (cited by Labcorp Genetics (formerly Invitae), Labcorp); PubMed 9536098 (cited by Labcorp Genetics (formerly Invitae), Labcorp).

NM_177438.3(DICER1):c.1510-3C>T

Gene: DICER1 (dicer 1, ribonuclease III; minus strand). Cytogenetic location: 14q32.13.
Variant type: single nucleotide variant.
Coding change: c.1510-3C>T on transcript NM_177438.3 (MANE Select); 3 bases into the intron before coding-DNA position 1510, C replaced by T.
Molecular consequence: intron variant.
Genome position (GRCh38, 1-based): chr14:95,116,698, G>A on the plus strand (C>T on the coding strand, the complement: DICER1 is on the minus strand). VCF-style: chr14-95116698-G-A. GRCh37 (hg19) VCF-style: chr14-95583035-G-A.
Other names: c.1510-3C>T (NM_001291628.2, NM_030621.4, NM_001271282.3 and 1 more transcripts).
Identifiers: ClinVar variation 645931 (VCV000645931.12), dbSNP rs1482433834, ClinGen allele CA710129918.
Genomic context (GRCh38, chr14:95,116,698, plus strand): 5'-CTACAATACTTGTTGCAATAAGCAGGTTGGTCTCATGTGCTCGAAATTTCCTAAGTACCT[G>A]AAAAAAAAAATCCACCAAGAAAAGCACTTCTAAGAAAATTTCTAAAATGAACAAAAAAAA-3'